The following is an entry in ClinVar:

ClinVar aggregate classification (germline): Uncertain significance (1 of 4 stars; one submission).

Conditions:
Werner syndrome (WRN). Identifiers: Orphanet 902, MedGen C0043119, MONDO:0010196, OMIM 277700.

Allele frequency attached by ClinVar (database versions not stated): ExAC 0.00001; gnomAD exomes 0.00001 and 0.00002; gnomAD 0.00007; ESP Exome Variant Server 0.00008; TOPMed 0.00009.
gnomAD v4.1: 26 of 1,613,786 alleles (0.0016%); highest among the groups gnomAD compares: African/African-American, 0.033%; 1 homozygote.

Submission:

Labcorp Genetics (formerly Invitae), Labcorp
Classification: Uncertain significance for Werner syndrome. Last evaluated: 2025-08-05. Review status: criteria provided, single submitter. Criteria: Invitae Variant Classification Sherloc (09022015). Collection method: clinical testing. Allele origin: germline.
Comment: This sequence change replaces histidine, which is basic and polar, with tyrosine, which is neutral and polar, at codon 808 of the WRN protein (p.His808Tyr). This variant is present in population databases (rs369776725, gnomAD 0.03%). This variant has not been reported in the literature in individuals affected with WRN-related conditions. ClinVar contains an entry for this variant (Variation ID: 458418). An algorithm developed to predict the effect of missense changes on protein structure and function (PolyPhen-2) suggests that this variant is likely to be disruptive. RNA analysis performed to evaluate the impact of this missense change on mRNA splicing indicates it does not significantly alter splicing (internal data). In summary, the available evidence is currently insufficient to determine the role of this variant in disease. Therefore, it has been classified as a Variant of Uncertain Significance.

NM_000553.6(WRN):c.2422C>T (p.His808Tyr)

Gene: WRN (WRN RecQ like helicase; plus strand). Cytogenetic location: 8p12.
Variant type: single nucleotide variant.
Coding change: c.2422C>T on transcript NM_000553.6 (MANE Select); coding-DNA position 2422, C replaced by T.
Protein change: p.His808Tyr; replaces histidine 808 with tyrosine.
Molecular consequence: missense variant.
Genome position (GRCh38, 1-based): chr8:31,116,502, C>T. VCF-style: chr8-31116502-C-T. GRCh37 (hg19) VCF-style: chr8-30974018-C-T.
Other names: short protein forms H808Y.
Identifiers: ClinVar variation 458418 (VCV000458418.8), dbSNP rs369776725, ClinGen allele CA4704737.